The following is an entry in ClinVar:

ClinVar aggregate classification (germline): Likely pathogenic (1 of 4 stars; one submission).

Conditions:
CEP164-related disorder. Also called: CEP164-related condition.

Submission:

PreventionGenetics, part of Exact Sciences
Classification: Likely pathogenic for CEP164-related condition. Last evaluated: 2026-04-24. Review status: criteria provided, single submitter. Criteria: ACMG Guidelines, 2015. Collection method: clinical testing. Allele origin: germline.
Comment: The CEP164 c.3731G>A variant is predicted to result in premature protein termination (p.Trp1244*). To our knowledge, this variant has not been reported in the literature or in a large population database (gnomAD), indicating this variant is rare. Nonsense variants in CEP164 are expected to be pathogenic. This variant is interpreted as likely pathogenic.

NM_014956.5(CEP164):c.3731G>A (p.Trp1244Ter)

Gene: CEP164 (centrosomal protein 164; plus strand). Cytogenetic location: 11q23.3.
Variant type: single nucleotide variant.
Coding change: c.3731G>A on transcript NM_014956.5 (MANE Select); coding-DNA position 3731, G replaced by A.
Protein change: p.Trp1244Ter; replaces tryptophan 1244 with a stop codon.
Molecular consequence: nonsense. On other transcripts: intron variant (15).
Genome position (GRCh38, 1-based): chr11:117,409,011, G>A. VCF-style: chr11-117409011-G-A. GRCh37 (hg19) VCF-style: chr11-117279727-G-A.
Other names: c.3737G>A, p.Trp1246Ter (NM_001440949.1); c.3731G>A, p.Trp1244Ter (NM_001440950.1, NM_001440951.1); c.3722G>A, p.Trp1241Ter (NM_001440952.1); c.3653G>A, p.Trp1218Ter (NM_001440954.1, NM_001440955.1); c.3644G>A, p.Trp1215Ter (NM_001440956.1); c.3641G>A, p.Trp1214Ter (NM_001440957.1); c.3602G>A, p.Trp1201Ter (NM_001440960.1); c.3593G>A, p.Trp1198Ter (NM_001440961.1); and 21 more; short protein forms W1119*, W1168*, W1169*, W1188*, W1194*, W1201*, W1099*, W1195*.
Identifiers: ClinVar variation 5001931 (VCV005001931.1).
Genomic context (GRCh38, chr11:117,409,011, plus strand): 5'-GTGACATGGACAGCCTGAGCAGTGAAAGTTCTGAATCTTTTTCCCCGCCTCACCGTGAGT[G>A]GTGGCGGCAGCAGAGGAGTGAGTGGGGGAGATGCGGGGTGAGGACCATGGTATCCATGGA-3'